The following is an entry in ClinVar:

NM_001111125.3(IQSEC2):c.3781C>T (p.Gln1261Ter)

Gene: IQSEC2 (IQ motif and Sec7 domain ArfGEF 2; minus strand). Cytogenetic location: Xp11.22.
Variant type: single nucleotide variant.
Coding change: c.3781C>T on transcript NM_001111125.3 (MANE Select); coding-DNA position 3781, C replaced by T.
Protein change: p.Gln1261Ter; replaces glutamine 1261 with a stop codon.
Molecular consequence: nonsense. On other transcripts: 3 prime UTR variant (2).
Genome position (GRCh38, 1-based): chrX:53,234,905, G>A on the plus strand (C>T on the coding strand, the complement: IQSEC2 is on the minus strand). VCF-style: chrX-53234905-G-A. GRCh37 (hg19) VCF-style: chrX-53264087-G-A.
Other names: c.*266C>T (NM_001410736.1, NM_015075.2); short protein forms Q1261*.
Identifiers: ClinVar variation 2766226 (VCV002766226.3), dbSNP rs2519673290, ClinGen allele CA413140905.

ClinVar aggregate classification (germline): Pathogenic (1 of 4 stars; one submission).

Conditions:
Intellectual developmental disorder, X-linked 1. Also called: Atkin Flaitz Patil Smith syndrome; Intellectual disability, X-linked 1; MENTAL RETARDATION, X-LINKED 18; MENTAL RETARDATION, X-LINKED 78. Identifiers: Orphanet 777, MedGen C2931498, MONDO:0010656, OMIM 309530.

Submission:

Labcorp Genetics (formerly Invitae), Labcorp
Classification: Pathogenic for Intellectual developmental disorder, X-linked 1. Last evaluated: 2025-07-21. Review status: criteria provided, single submitter. Criteria: Invitae Variant Classification Sherloc (09022015). Collection method: clinical testing. Allele origin: germline.
Comment: This sequence change creates a premature translational stop signal (p.Gln1261*) in the IQSEC2 gene. While this is not anticipated to result in nonsense mediated decay, it is expected to disrupt the last 228 amino acid(s) of the IQSEC2 protein. This variant is not present in population databases (gnomAD no frequency). This variant has not been reported in the literature in individuals affected with IQSEC2-related conditions. ClinVar contains an entry for this variant (Variation ID: 2766226). This variant disrupts a region of the IQSEC2 protein in which other variant(s) (p.Ala1347Glyfs*40) have been determined to be pathogenic (PMID: 27864847). This suggests that this is a clinically significant region of the protein, and that variants that disrupt it are likely to be disease-causing. For these reasons, this variant has been classified as Pathogenic.

Literature cited by the submitters: PubMed 27864847.